The following is an entry in ClinVar:

NM_001148.6(ANK2):c.8362C>T (p.Pro2788Ser)

Gene: ANK2 (ankyrin 2; plus strand). Cytogenetic location: 4q26.
Variant type: single nucleotide variant.
Coding change: c.8362C>T on transcript NM_001148.6 (MANE Select); coding-DNA position 8362, C replaced by T.
Protein change: p.Pro2788Ser; replaces proline 2788 with serine.
Molecular consequence: missense variant. On other transcripts: intron variant (68).
Genome position (GRCh38, 1-based): chr4:113,356,980, C>T. VCF-style: chr4-113356980-C-T. GRCh37 (hg19) VCF-style: chr4-114278136-C-T.
Other names: c.8128C>T, p.Pro2710Ser (NM_001386142.1); c.4762C>T, p.Pro1588Ser (NM_001386166.1); c.8503C>T, p.Pro2835Ser (NM_001386174.1); c.8479C>T, p.Pro2827Ser (NM_001386175.1); c.4412-3843C>T (NM_001386186.2, NM_001386148.2); c.4214-3843C>T (NM_001354269.3); c.4292-3843C>T (NM_001386187.2); c.4253-3843C>T (NM_001386147.1); and 35 more; short protein forms P2788S, P1588S, P2710S, P2827S, P2835S.
Identifiers: ClinVar variation 457061 (VCV000457061.5), dbSNP rs1195125634, ClinGen allele CA357933898.
Genomic context (GRCh38, chr4:113,356,980, plus strand): 5'-CAGCCAAAAATCTGTGATGGCCATGGATGTGAGGCCATGAGTCCTAGCAGCTCAGCTGCT[C>T]CTGTCTCTTCAGGTCTACAGAGTCCGACTGGTGATGATGTTGATGAACAGCCAGTCATCT-3'
Protein context (NP_001139.3, residues 2778-2798): EAMSPSSSAA[Pro2788Ser]VSSGLQSPTG

ClinVar aggregate classification (germline): Uncertain significance (1 of 4 stars; one submission).

Conditions:
Long QT syndrome (LQTS). Identifiers: MedGen C0023976, MeSH D008133, MONDO:0002442. Disease mechanism: loss of function. Inheritance: Various modes of inheritance.

Submission:

Labcorp Genetics (formerly Invitae), Labcorp
Classification: Uncertain significance for Long QT syndrome. Last evaluated: 2017-03-19. Review status: criteria provided, single submitter. Criteria: Invitae Variant Classification Sherloc (09022015). Collection method: clinical testing. Allele origin: germline.
Comment: This sequence change replaces proline with serine at codon 2788 of the ANK2 protein (p.Pro2788Ser). The proline residue is weakly conserved and there is a moderate physicochemical difference between proline and serine. In summary, this variant is a novel missense change that is not predicted to affect protein function. There is no indication that it causes disease, but the available evidence is currently insufficient to prove that conclusively. Therefore, it has been classified as a Variant of Uncertain Significance. Algorithms developed to predict the effect of missense changes on protein structure and function output the following: SIFT: "Tolerated"; PolyPhen-2: "Benign"; Align-GVGD: "Class C0". The serine amino acid residue is found in multiple mammalian species, suggesting that this missense change does not adversely affect protein function. These predictions have not been confirmed by published functional studies. This variant is not present in population databases (ExAC no frequency) and has not been reported in the literature in individuals with a ANK2-related disease.